The following is an entry in ClinVar:

ClinVar aggregate classification (germline): Benign/Likely benign. Review status: criteria provided, multiple submitters, no conflicts (2 of 4 stars). 11 submissions from 11 submitters: Benign (7); Likely benign (3). 1 of the submissions does not count toward it. Last evaluated 2026-02-04.

Conditions:
Primary ciliary dyskinesia. Also called: Ciliary dyskinesia. Identifiers: Orphanet 244, MedGen C0008780, MONDO:0016575, HP:0012265.
Primary ciliary dyskinesia 3. Identifiers: Orphanet 244, MedGen C1837618, MONDO:0012085, OMIM 608644.

Allele frequency attached by ClinVar (database versions not stated): 1000 Genomes Project 0.06569; 1000 Genomes Project 30x 0.06574; TOPMed 0.09103; ESP Exome Variant Server 0.09434; gnomAD 0.10158 and 0.10451.
gnomAD v4.1: 194,959 of 1,613,910 alleles (12%); highest among the groups gnomAD compares: Non-Finnish European, 13%; 13,130 homozygotes.

Submissions (11):

Labcorp Genetics (formerly Invitae), Labcorp
Classification: Benign for Primary ciliary dyskinesia. Last evaluated: 2026-02-04. Review status: criteria provided, single submitter. Criteria: Invitae Variant Classification Sherloc (09022015). Collection method: clinical testing. Allele origin: germline.

Blueprint Genetics
Classification: Likely benign. Last evaluated: 2024-11-26. Review status: criteria provided, single submitter. Criteria: ACMG Guidelines, 2015. Collection method: clinical testing. Allele origin: germline.

Mayo Clinic Laboratories, Mayo Clinic
Classification: Benign. Last evaluated: 2022-04-26. Review status: criteria provided, single submitter. Criteria: ACMG Guidelines, 2015. Collection method: clinical testing. Allele origin: germline. Observed: 52 variant alleles.

Pars Genome Lab
Classification: Benign for Primary ciliary dyskinesia 3. Last evaluated: 2021-06-15. Review status: criteria provided, single submitter. Criteria: ACMG Guidelines, 2015. Collection method: clinical testing. Allele origin: germline. Affected: no.

GeneDx
Classification: Benign. Last evaluated: 2018-11-10. Review status: criteria provided, single submitter. Criteria: GeneDx Variant Classification Process June 2021. Collection method: clinical testing. Allele origin: germline. Affected: yes.

Illumina Laboratory Services, Illumina
Classification: Likely benign for Primary ciliary dyskinesia 3. Last evaluated: 2017-04-27. Review status: criteria provided, single submitter. Criteria: ICSL Variant Classification Criteria 13 December 2019. Collection method: clinical testing. Allele origin: germline.
Comment: This variant was observed as part of a predisposition screen in an ostensibly healthy population. A literature search was performed for the gene, cDNA change, and amino acid change (where applicable). No publications were found based on this search. Allele frequency data from public databases allowed determination this variant is unlikely to cause disease. Therefore, this variant is classified as likely benign.

Ambry Genetics
Classification: Benign for Primary ciliary dyskinesia. Last evaluated: 2014-12-11. Review status: criteria provided, single submitter. Criteria: Ambry Variant Classification Scheme 2023. Collection method: clinical testing. Allele origin: germline.

Laboratory for Molecular Medicine, Mass General Brigham Personalized Medicine
Classification: Benign. Last evaluated: 2013-02-21. Review status: criteria provided, single submitter. Criteria: LMM Criteria. Collection method: clinical testing. Allele origin: germline. Observed: 22 variant alleles.
Comment: Thr3791Ile in exon 66 of DNAH5: This variant is not expected to have clinical si gnificance because it has been identified in 12.7% (1092/8600) of European Ameri can chromosomes from a broad population by the NHLBI Exome Sequencing Project (dbSNP rs17263496).

Breakthrough Genomics
Classification: Likely benign. Review status: criteria provided, single submitter. Criteria: ACMG Guidelines, 2015. Collection method: not provided. Allele origin: germline. Inheritance: Autosomal recessive inheritance. Affected: yes.

PreventionGenetics, part of Exact Sciences
Classification: Benign. Review status: criteria provided, single submitter. Criteria: ACMG Guidelines, 2015. Collection method: clinical testing. Allele origin: germline.

Natera, Inc.
Classification: Benign for Primary ciliary dyskinesia. Last evaluated: 2020-09-16. Review status: no assertion criteria provided. Collection method: clinical testing. Allele origin: germline. Not counted in ClinVar's aggregate classification.

NM_001369.3(DNAH5):c.11372C>T (p.Thr3791Ile)

Genes: DNAH5 (dynein axonemal heavy chain 5; minus strand), LOC107457585 (meiotic recombination hotspot J; plus strand). Cytogenetic location: 5p15.2.
Variant type: single nucleotide variant.
Coding change: c.11372C>T on transcript NM_001369.3 (MANE Select); coding-DNA position 11372, C replaced by T.
Protein change: p.Thr3791Ile; replaces threonine 3791 with isoleucine.
Molecular consequence: missense variant.
Genome position (GRCh38, 1-based): chr5:13,737,335, G>A on the plus strand (C>T on the coding strand, the complement: DNAH5 is on the minus strand). VCF-style: chr5-13737335-G-A. GRCh37 (hg19) VCF-style: chr5-13737444-G-A.
Other names: short protein forms T3791I.
Identifiers: ClinVar variation 178744 (VCV000178744.29), dbSNP rs17263496, ClinGen allele CA182925.